The following is an entry in ClinVar:

NM_170707.4(LMNA):c.1058AGC[2] (p.Gln355del)

Gene: LMNA (lamin A/C; plus strand). Cytogenetic location: 1q22.
Variant type: Microsatellite.
Coding change: c.1058AGC[2] on transcript NM_170707.4 (MANE Select); two copies in a row of the 3-base unit AGC starting at c.1058; the reference has three copies in a row; one copy, 3 bases deleted.
Protein change: p.Gln355del; deletes glutamine 355.
Molecular consequence: inframe deletion.
Genome position (GRCh38, 1-based): chr1:156,136,028-156,136,030, AGC deleted; deleting any 3 consecutive bases within chr1:156,136,020-156,136,030 gives the same sequence; the position shown is the placement nearest the transcript's 3' end. VCF-style (leftmost placement, unchanged base first): chr1-156136019-TGCA-T. GRCh37 (hg19) VCF-style: chr1-156105810-TGCA-T.
Other names: c.722AGC[2], p.Gln243del (NM_001257374.3); c.815AGC[2], p.Gln274del (NM_001282624.2); c.1058AGC[2], p.Gln355del (NM_001282625.2, NM_001282626.2, NM_005572.4 and 1 more transcripts); short protein forms Q355del, Q243del, Q274del.
Identifiers: ClinVar variation 66768 (VCV000066768.3), dbSNP rs267607635, ClinGen allele CA016535.
Genomic context (GRCh38, chr1:156,136,019, plus strand): 5'-ACACCAGCCGGCGGCTGCTGGCGGAAAAGGAGCGGGAGATGGCCGAGATGCGGGCAAGGA[TGCA>T]GCAGCAGCTGGACGAGTACCAGGAGCTTCTGGACATCAAGCTGGCCCTGGACATGGAGAT-3'

ClinVar aggregate classification (germline): Uncertain significance. Review status: criteria provided, single submitter (1 of 4 stars). 2 submissions from 2 submitters: Uncertain significance (1). 1 of the submissions does not count toward it. Last evaluated 2024-08-22.

Conditions:
Charcot-Marie-Tooth disease type 2. Also called: Charcot-Marie-Tooth type 2. Identifiers: Orphanet 64746, MedGen C0270914, MONDO:0018993.

Submissions (2):

Labcorp Genetics (formerly Invitae), Labcorp
Classification: Uncertain significance for Charcot-Marie-Tooth disease type 2. Last evaluated: 2024-08-22. Review status: criteria provided, single submitter. Criteria: Invitae Variant Classification Sherloc (09022015). Collection method: clinical testing. Allele origin: germline.
Comment: This variant, c.1064_1066del, results in the deletion of 1 amino acid(s) of the LMNA protein (p.Gln355del), but otherwise preserves the integrity of the reading frame. This variant is not present in population databases (gnomAD no frequency). This variant has been observed in individual(s) with clinical features of LMNA-related conditions (PMID: 20848652, 29095976). This variant is also known as delQ355. Algorithms developed to predict the effect of variants on gene product structure and function are not available or were not evaluated for this variant. Experimental studies have shown that this variant affects LMNA function (PMID: 16218190). In summary, the available evidence is currently insufficient to determine the role of this variant in disease. Therefore, it has been classified as a Variant of Uncertain Significance.

Epithelial Biology;  Institute of Medical Biology, Singapore
No classification provided. Review status: no classification provided. Collection method: not provided. Allele origin: not provided. Not counted in ClinVar's aggregate classification.

Literature cited by the submitters: PubMed 20848652 (cited by Labcorp Genetics (formerly Invitae), Labcorp); PubMed 29095976 (cited by Labcorp Genetics (formerly Invitae), Labcorp); PubMed 16218190 (cited by Labcorp Genetics (formerly Invitae), Labcorp).